The following is an entry in ClinVar:

NM_032217.5(ANKRD17):c.167_181del (p.Arg56_Leu60del)

Genes: ANKRD17 (ankyrin repeat domain 17; minus strand), LOC129992670 (ATAC-STARR-seq lymphoblastoid silent region 15476; plus strand). Cytogenetic location: 4q13.3.
Variant type: Deletion.
Coding change: c.167_181del on transcript NM_032217.5 (MANE Select); coding-DNA positions 167 to 181, 15 bases deleted (GAGTCTGCGACCTGC).
Protein change: p.Arg56_Leu60del.
Molecular consequence: inframe deletion.
Genome position (GRCh38, 1-based): chr4:73,258,488-73,258,502, GCAGGTCGCAGACTC deleted on the plus strand (GAGTCTGCGACCTGC on the coding strand, the reverse complement: ANKRD17 is on the minus strand); deleting any 15 consecutive bases within chr4:73,258,488-73,258,505 gives the same sequence; the c. name uses the placement nearest the transcript's 3' end. VCF-style (leftmost placement, unchanged base first): chr4-73258487-AGCAGGTCGCAGACTC-A. GRCh37 (hg19) VCF-style: chr4-74124204-AGCAGGTCGCAGACTC-A.
Other names: c.167_181del, p.Arg56_Leu60del (NM_015574.2, NM_198889.3).
Identifiers: ClinVar variation 1806637 (VCV001806637.1), dbSNP rs2475950392, ClinGen allele CA2580071793.

ClinVar aggregate classification (germline): Uncertain significance (1 of 4 stars; one submission).

Submission:

GeneDx
Classification: Uncertain significance. Last evaluated: 2022-06-21. Review status: criteria provided, single submitter. Criteria: GeneDx Variant Classification Process June 2021. Collection method: clinical testing. Allele origin: germline. Affected: yes.
Comment: Reported using an alternate transcript of the gene; Has not been previously published as pathogenic or benign to our knowledge; Not observed at significant frequency in large population cohorts (gnomAD); In-frame deletion of 5 amino acids in a non-repeat region; In-silico analysis is inconclusive as to whether the variant alters gene splicing. In the absence of RNA/functional studies, the actual effect of this sequence change is unknown.; In silico analysis supports that this variant does not alter protein structure/function